The following is an entry in ClinVar:

ClinVar aggregate classification (germline): Uncertain significance (1 of 4 stars; one submission).

Conditions:
Tuberous sclerosis 2 (TSC2). Identifiers: Orphanet 805, MedGen C1860707, MONDO:0013199, OMIM 613254.

Submission:

Labcorp Genetics (formerly Invitae), Labcorp
Classification: Uncertain significance for Tuberous sclerosis 2. Last evaluated: 2023-06-22. Review status: criteria provided, single submitter. Criteria: Invitae Variant Classification Sherloc (09022015). Collection method: clinical testing. Allele origin: germline.
Comment: This variant is not present in population databases (gnomAD no frequency). This sequence change replaces glutamic acid, which is acidic and polar, with glutamine, which is neutral and polar, at codon 793 of the TSC2 protein (p.Glu793Gln). This variant has not been reported in the literature in individuals affected with TSC2-related conditions. In summary, the available evidence is currently insufficient to determine the role of this variant in disease. Therefore, it has been classified as a Variant of Uncertain Significance. Advanced modeling of protein sequence and biophysical properties (such as structural, functional, and spatial information, amino acid conservation, physicochemical variation, residue mobility, and thermodynamic stability) performed at Invitae indicates that this missense variant is not expected to disrupt TSC2 protein function.

NM_000548.5(TSC2):c.2377G>C (p.Glu793Gln)

Gene: TSC2 (TSC complex subunit 2; plus strand). Cytogenetic location: 16p13.3.
Variant type: single nucleotide variant.
Coding change: c.2377G>C on transcript NM_000548.5 (MANE Select); coding-DNA position 2377, G replaced by C.
Protein change: p.Glu793Gln; replaces glutamic acid 793 with glutamine.
Molecular consequence: missense variant. On other transcripts: non-coding transcript variant (5).
Genome position (GRCh38, 1-based): chr16:2,074,221, G>C. VCF-style: chr16-2074221-G-C. GRCh37 (hg19) VCF-style: chr16-2124222-G-C.
Other names: c.2377G>C, p.Glu793Gln (NM_001077183.3, NM_001114382.3, NM_001363528.2 and 6 more transcripts); c.2266G>C, p.Glu756Gln (NM_001318827.2, NM_001406670.1, NM_001406678.1); c.2230G>C, p.Glu744Gln (NM_001318829.2, NM_001406675.1, NM_001406676.1 and 1 more transcripts); c.1777G>C, p.Glu593Gln (NM_001318831.2, NM_001406680.1, NM_001406682.1 and 6 more transcripts); c.2410G>C, p.Glu804Gln (NM_001318832.2); c.2467G>C, p.Glu823Gln (NM_001406667.1, NM_001406668.1); c.2365G>C, p.Glu789Gln (NM_001406671.1, NM_001406673.1); c.2320G>C, p.Glu774Gln (NM_001406677.1); and 3 more; short protein forms E345Q, E756Q, E823Q, E259Q, E593Q, E793Q, E639Q, E789Q.
Identifiers: ClinVar variation 2723921 (VCV002723921.3), dbSNP rs1596356248, ClinGen allele CA394277018.
Genomic context (GRCh38, chr16:2,074,221, plus strand): 5'-TGCAAGCGGGTGGGGCCTGAGGTGTCCTGTCTCCTGCAGCGCGAGATGGTCTACTGCCTG[G>C]AGCAGGGCCTCATCCACCGCTGTGCCAGCCAGTGCGTCGTGGCCTTGTCCATCTGCAGCG-3'
Protein context (NP_000539.2, residues 783-803): TKQREMVYCL[Glu793Gln]QGLIHRCASQ